The following is an entry in ClinVar:

ClinVar aggregate classification (germline): Likely benign (0 of 4 stars; one submission).

Conditions:
HELQ-related disorder. Also called: HELQ-related condition.

Allele frequency attached by ClinVar (database versions not stated): 1000 Genomes Project 30x 0.00016; 1000 Genomes Project 0.00020; TOPMed 0.00121; gnomAD 0.00123; ExAC 0.00138; ESP Exome Variant Server 0.00146; gnomAD exomes 0.00208.
gnomAD v4.1: 3,178 of 1,613,048 alleles (0.2%); highest among the groups gnomAD compares: Non-Finnish European, 0.25%; 11 homozygotes.

Submission:

PreventionGenetics, part of Exact Sciences
Classification: Likely benign for HELQ-related condition. Last evaluated: 2022-12-28. Review status: no assertion criteria provided. Collection method: clinical testing. Allele origin: germline.
Comment: This variant is classified as likely benign based on ACMG/AMP sequence variant interpretation guidelines (Richards et al. 2015 PMID: 25741868, with internal and published modifications).

NM_133636.5(HELQ):c.47A>G (p.Lys16Arg)

Genes: HELQ (helicase, POLQ like; minus strand), LOC112997542 (Sharpr-MPRA regulatory region 5990; plus strand). Cytogenetic location: 4q21.23.
Variant type: single nucleotide variant.
Coding change: c.47A>G on transcript NM_133636.5 (MANE Select); coding-DNA position 47, A replaced by G.
Protein change: p.Lys16Arg; replaces lysine 16 with arginine.
Molecular consequence: missense variant. On other transcripts: 5 prime UTR variant (2), non-coding transcript variant (1).
Genome position (GRCh38, 1-based): chr4:83,455,647, T>C on the plus strand (A>G on the coding strand, the complement: HELQ is on the minus strand). VCF-style: chr4-83455647-T-C. GRCh37 (hg19) VCF-style: chr4-84376800-T-C.
Other names: c.47A>G, p.Lys16Arg (NM_001297755.2, NM_001297758.2, NM_001297759.2); c.-1458A>G (NM_001297756.2); c.-1488A>G (NM_001297757.2); short protein forms K16R.
Identifiers: ClinVar variation 3048428 (VCV003048428.2), dbSNP rs150540222, ClinGen allele CA2990098.